The following is an entry in ClinVar:

ClinVar aggregate classification (germline): Conflicting classifications of pathogenicity. Review status: criteria provided, conflicting classifications (1 of 4 stars). 3 submissions from 3 submitters: Uncertain significance (2); Likely benign (1). Last evaluated 2026-07-01.

Conditions:
Ciliary dyskinesia, primary, 37 (CILD37). Also called: CILIARY DYSKINESIA, PRIMARY, 37, WITH OR WITHOUT SITUS INVERSUS. Identifiers: MedGen C4539798, MONDO:0033204, OMIM 617577.
Spermatogenic failure 18. Identifiers: MedGen C4539783, MONDO:0054615, OMIM 617576.

Allele frequency attached by ClinVar (database versions not stated): TOPMed 0.00002; gnomAD 0.00005; gnomAD exomes 0.00006 and 0.00014; ExAC 0.00017; 1000 Genomes Project 30x 0.00031; 1000 Genomes Project 0.00040.
gnomAD v4.1: 97 of 1,614,036 alleles (0.006%); highest among the groups gnomAD compares: South Asian, 0.09%; 1 homozygote.

Submissions (3):

CeGaT Center for Human Genetics Tuebingen
Classification: Likely benign. Last evaluated: 2026-07-01. Review status: criteria provided, single submitter. Criteria: CeGaT Center For Human Genetics Tuebingen Variant Classification Criteria Version 2. Collection method: clinical testing. Allele origin: germline. Affected: yes. Observed: 2 variant alleles.
Comment: DNAH1: BS2

Labcorp Genetics (formerly Invitae), Labcorp
Classification: Uncertain significance for Ciliary dyskinesia, primary, 37; Spermatogenic failure 18. Last evaluated: 2022-08-09. Review status: criteria provided, single submitter. Criteria: Invitae Variant Classification Sherloc (09022015). Collection method: clinical testing. Allele origin: germline.
Comment: This sequence change replaces asparagine, which is neutral and polar, with aspartic acid, which is acidic and polar, at codon 3512 of the DNAH1 protein (p.Asn3512Asp). This variant is present in population databases (rs542965042, gnomAD 0.1%). This variant has not been reported in the literature in individuals affected with DNAH1-related conditions. ClinVar contains an entry for this variant (Variation ID: 1402087). Algorithms developed to predict the effect of missense changes on protein structure and function are either unavailable or do not agree on the potential impact of this missense change (SIFT: "Tolerated"; PolyPhen-2: "Possibly Damaging"; Align-GVGD: "Class C0"). In summary, the available evidence is currently insufficient to determine the role of this variant in disease. Therefore, it has been classified as a Variant of Uncertain Significance.

Juno Genomics, Hangzhou Juno Genomics, Inc
Classification: Uncertain significance for Ciliary dyskinesia, primary, 37; Spermatogenic failure 18. Review status: criteria provided, single submitter. Criteria: ACMG Guidelines, 2015. Collection method: clinical testing. Allele origin: germline.
Comment: Absent from controls (or at extremely low frequency if recessive) in Genome Aggregation Database.

NM_015512.5(DNAH1):c.10534A>G (p.Asn3512Asp)

Gene: DNAH1 (dynein axonemal heavy chain 1; plus strand). Cytogenetic location: 3p21.1.
Variant type: single nucleotide variant.
Coding change: c.10534A>G on transcript NM_015512.5 (MANE Select); coding-DNA position 10534, A replaced by G.
Protein change: p.Asn3512Asp; replaces asparagine 3512 with aspartic acid.
Molecular consequence: missense variant.
Genome position (GRCh38, 1-based): chr3:52,393,393, A>G. VCF-style: chr3-52393393-A-G. GRCh37 (hg19) VCF-style: chr3-52427409-A-G.
Other names: short protein forms N3512D.
Identifiers: ClinVar variation 1402087 (VCV001402087.19), dbSNP rs542965042, ClinGen allele CA2435875.